The following is an entry in ClinVar:

ClinVar aggregate classification (germline): Likely benign (1 of 4 stars; one submission).

Submission:

CeGaT Center for Human Genetics Tuebingen
Classification: Likely benign. Last evaluated: 2025-11-01. Review status: criteria provided, single submitter. Criteria: CeGaT Center For Human Genetics Tuebingen Variant Classification Criteria Version 2. Collection method: clinical testing. Allele origin: germline. Affected: yes. Observed: 1 variant allele.
Comment: SPRED1: PM2:Supporting, BP4, BP7

NM_152594.3(SPRED1):c.885T>G (p.Ser295=)

Gene: SPRED1 (sprouty related EVH1 domain containing 1; plus strand). Cytogenetic location: 15q14.
Variant type: single nucleotide variant.
Coding change: c.885T>G on transcript NM_152594.3 (MANE Select); coding-DNA position 885, T replaced by G.
Protein change: p.Ser295=; no amino-acid change (serine 295 retained).
Molecular consequence: synonymous variant.
Genome position (GRCh38, 1-based): chr15:38,351,214, T>G. VCF-style: chr15-38351214-T-G. GRCh37 (hg19) VCF-style: chr15-38643415-T-G.
Identifiers: ClinVar variation 4535407 (VCV004535407.6).
Genomic context (GRCh38, chr15:38,351,214, plus strand): 5'-TGCTGATTCCAGTATTCAGTTTTCTAAACCAGACAGTAAAAAATCAGACTATCTGTACTC[T>G]TGTGGGGATGAGACTAAGTTAAGTTCACCCAAAGACTCTGTGGTATTTAAGACGCAGCCT-3'
Protein context (NP_689807.1, residues 285-305): PDSKKSDYLY[Ser295=]CGDETKLSSP